The following is an entry in ClinVar:

NM_001698.3(AUH):c.263-11C>T

Gene: AUH (AU RNA binding methylglutaconyl-CoA hydratase; minus strand). Cytogenetic location: 9q22.31.
Variant type: single nucleotide variant.
Coding change: c.263-11C>T on transcript NM_001698.3 (MANE Select); 11 bases into the intron before coding-DNA position 263, C replaced by T.
Molecular consequence: intron variant.
Genome position (GRCh38, 1-based): chr9:91,356,166, G>A on the plus strand (C>T on the coding strand, the complement: AUH is on the minus strand). VCF-style: chr9-91356166-G-A. GRCh37 (hg19) VCF-style: chr9-94118448-G-A.
Other names: c.263-11C>T (NM_001306190.2); c.-65-11C>T (NM_001351433.2, NM_001351431.2, NM_001351432.2).
Identifiers: ClinVar variation 385807 (VCV000385807.10), dbSNP rs759369259, ClinGen allele CA5119909.

ClinVar aggregate classification (germline): Likely benign. Review status: criteria provided, multiple submitters, no conflicts (2 of 4 stars). 2 submissions from 2 submitters: Likely benign (2). Last evaluated 2025-02-24.

Conditions:
3-methylglutaconic aciduria type 1 (MGCA1). Identifiers: Orphanet 67046, MedGen C0342727, MONDO:0009610, OMIM 250950.

Allele frequency attached by ClinVar (database versions not stated): TOPMed below 0.00001; ExAC 0.00001; gnomAD exomes 0.00002 and 0.00001.
gnomAD v4.1: 5 of 1,612,118 alleles (0.00031%); highest among the groups gnomAD compares: Admixed American, 0.0083%; no homozygotes.

Submissions (2):

Labcorp Genetics (formerly Invitae), Labcorp
Classification: Likely benign for 3-methylglutaconic aciduria type 1. Last evaluated: 2025-02-24. Review status: criteria provided, single submitter. Criteria: Invitae Variant Classification Sherloc (09022015). Collection method: clinical testing. Allele origin: germline.

GeneDx
Classification: Likely benign. Last evaluated: 2016-11-21. Review status: criteria provided, single submitter. Criteria: GeneDx Variant Classification (06012015). Collection method: clinical testing. Allele origin: germline. Affected: yes.
Comment: This variant is considered likely benign or benign based on one or more of the following criteria: it is a conservative change, it occurs at a poorly conserved position in the protein, it is predicted to be benign by multiple in silico algorithms, and/or has population frequency not consistent with disease.